The following continues an entry in ClinVar:

NM_000038.6(APC):c.2626C>T (p.Arg876Ter)

Gene: APC. ClinVar aggregate classification (germline): Pathogenic. Pathogenic (17). ClinVar aggregate classification (oncogenicity): Oncogenic.

Submissions 14 to 19 of 19:

MGZ Medical Genetics Center
Classification: Pathogenic for Familial adenomatous polyposis 1. Last evaluated: 2021-09-07. Review status: criteria provided, single submitter. Criteria: ACMG Guidelines, 2015. Collection method: clinical testing. Allele origin: germline. Affected: yes. Observed: 1 variant allele.
Comment: ACMG criteria applied: PVS1, PS4, PM2_SUP

Mayo Clinic Laboratories, Mayo Clinic
Classification: Pathogenic. Last evaluated: 2021-04-07. Review status: criteria provided, single submitter. Criteria: ACMG Guidelines, 2015. Collection method: clinical testing. Allele origin: germline.
Comment: PP1, PP4, PM2, PS4_moderate, PVS1_strong

Revvity Omics, Revvity
Classification: Pathogenic. Last evaluated: 2019-05-20. Review status: criteria provided, single submitter. Criteria: ACMG Guidelines, 2015. Collection method: clinical testing. Allele origin: germline.

ARUP Laboratories, Molecular Genetics and Genomics, ARUP Laboratories
Classification: Pathogenic. Last evaluated: 2018-09-07. Review status: criteria provided, single submitter. Criteria: ARUP Molecular Germline Variant Investigation Process. Collection method: clinical testing. Allele origin: germline.
Comment: The APC c.2626C>T; p.Arg876Ter variant (rs121913333) is reported in the literature in multiple individuals and families affected with familial adenomatous polyposis (De Rosa 2003, Ficari 2000, Friedl 2005, Hashimoto 2015, Kanter-Smoler 2008, Lagarde 2010, Mihalatos 2003, Miyaki 1994, Stekrova 2007, Stella 1994). This variant is reported as pathogenic by multiple laboratories in ClinVar (Variation ID: 216014) and is absent from general population databases (Exome Variant Server, Genome Aggregation Database), indicating it is not a common polymorphism. This variant results in a premature termination codon in the last exon of the APC gene. While this may not lead to nonsense-mediated decay, it is expected to truncate 1,968 amino acids and is predicted to result in a nonfunctional protein. Based on available information, this variant is considered to be pathogenic. References: De Rosa M et al. The mutation spectrum of the APC gene in FAP patients from southern Italy: detection of known and four novel mutations. Hum Mutat. 2003 Jun;21(6):655-6. Ficari F et al. APC gene mutations and colorectal adenomatosis in familial adenomatous polyposis. Br J Cancer. 2000 Jan;82(2):348-53. Friedl W and Aretz S. Familial adenomatous polyposis: experience from a study of 1164 unrelated german polyposis patients. Hered Cancer Clin Pract. 2005 Sep 15;3(3):95-114. Hashimoto T et al. Familial adenomatous polyposis-associated and sporadic pyloric gland adenomas of the upper gastrointestinal tract share common genetic features. Histopathology. 2015 Nov;67(5):689-98. Kanter-Smoler G et al. Clinical characterization and the mutation spectrum in Swedish adenomatous polyposis families. BMC Med. 2008 Apr 24;6:10. Lagarde A et al. Germline APC mutation spectrum derived from 863 genomic variations identified through a 15-year medical genetics service to French patients with FAP. J Med Genet. 2010 Oct;47(10):721-2. Mihalatos M et al. Novel mutations of the APC gene in familial adenomatous polyposis in Greek patients. Cancer Genet Cytogenet. 2003 Feb;141(1):65-70. Miyaki M et al. Characteristics of somatic mutation of the adenomatous polyposis coli gene in colorectal tumors. Cancer Res. 1994 Jun 1;54(11):3011-20. Stekrova J et al. Novel APC mutations in Czech and Slovak FAP families: clinical and genetic aspects. BMC Med Genet. 2007 Apr 5;8:16. Stella A et al. Four novel mutations of the APC (adenomatous polyposis coli) gene in FAP patients. Hum Mol Genet. 1994 Sep;3(9):1687-8.

Clinical Genetics and Genomics, Karolinska University Hospital
Classification: Pathogenic. Last evaluated: 2014-10-08. Review status: criteria provided, single submitter. Criteria: ACMG Guidelines, 2015. Collection method: clinical testing. Allele origin: germline. Affected: yes. Observed: 1 variant allele.

Department of Pathology and Laboratory Medicine, Sinai Health System
Classification: Pathogenic for Carcinoma of colon. Review status: no assertion criteria provided. Collection method: clinical testing. Allele origin: unknown. Affected: yes. Study: The Canadian Open Genetics Repository (COGR). Not counted in ClinVar's aggregate classification.
Comment: The p.Arg876X variant has not been previously identified by our laboratory, but has been reported and in the literature in 36 out of 6228 proband chromosomes in individuals with FAP, HNPCC, and sporadic colorectal carcinoma. It was not found in any of the 400 control chromosomes (Friedl, Aretz 2005, Goranova 2011, Albuquerque 2010, Liu 2007, Miyaki 1994, Powell 1992, Plawksi 2008, Dymerska 2010, Ruruuchi 2000, Albuquerque 2002, Olschwang 1997, Stekrova 2007, Scheel 2010). The variant leads to a premature stop codon at position 876 which is predicted to cause premature truncation of the protein product and loss of function. Loss of function of the APC gene is an established mechanism of familial adenomatous polyposis. In summary based on the above information, this variant is classified as pathogenic.

Literature cited by the submitters: PubMed 34352208 (cited by Center for Genomic Medicine, Rigshospitalet, Copenhagen University Hospital); PubMed 10213492 (cited by Center for Genomic Medicine, Rigshospitalet, Copenhagen University Hospital); PubMed 17189293 (cited by Center for Genomic Medicine, Rigshospitalet, Copenhagen University Hospital); PubMed 31283021 (cited by Center for Genomic Medicine, Rigshospitalet, Copenhagen University Hospital and Mayo Clinic Laboratories, Mayo Clinic); PubMed 18433509 (cited by Center for Genomic Medicine, Rigshospitalet, Copenhagen University Hospital and Ambry Genetics); PubMed 39046601 (cited by Department of Clinical Genetics, Copenhagen University Hospital, Rigshospitalet and Quest Diagnostics Nichols Institute San Juan Capistrano); PubMed 8187091 (cited by 3 submitters); PubMed 12581900 (cited by 4 submitters); PubMed 14961559 (cited by 4 submitters); PubMed 17411426 (cited by 3 submitters); PubMed 19029688 (cited by 3 submitters); PubMed 20223039 (cited by 3 submitters); PubMed 15311282 (cited by Labcorp Genetics (formerly Invitae), Labcorp); PubMed 17293347 (cited by Labcorp Genetics (formerly Invitae), Labcorp); PubMed 9824584 (cited by Labcorp Genetics (formerly Invitae), Labcorp); PubMed 1316610 (cited by Labcorp Genetics (formerly Invitae), Labcorp); PubMed 27081525 (cited by Labcorp Genetics (formerly Invitae), Labcorp); PubMed 8381579 (cited by Labcorp Genetics (formerly Invitae), Labcorp); PubMed 22135120 (cited by Labcorp Genetics (formerly Invitae), Labcorp); PubMed 29367705 (cited by Quest Diagnostics Nichols Institute San Juan Capistrano); PubMed 31062380 (cited by Quest Diagnostics Nichols Institute San Juan Capistrano and Mayo Clinic Laboratories, Mayo Clinic); PubMed 10646887 (cited by Ambry Genetics and Mayo Clinic Laboratories, Mayo Clinic); PubMed 23159591 (cited by Ambry Genetics and Mayo Clinic Laboratories, Mayo Clinic); PubMed 25832318 (cited by Ambry Genetics and Mayo Clinic Laboratories, Mayo Clinic); PubMed 26625971 (cited by Ambry Genetics and Mayo Clinic Laboratories, Mayo Clinic); PubMed 29122597 (cited by Mayo Clinic Laboratories, Mayo Clinic); PubMed 28251689 (cited by Mayo Clinic Laboratories, Mayo Clinic); PubMed 25157968 (cited by Mayo Clinic Laboratories, Mayo Clinic); PubMed 20007843 (cited by Mayo Clinic Laboratories, Mayo Clinic); PubMed 19347965 (cited by Mayo Clinic Laboratories, Mayo Clinic); PubMed 15108286 (cited by Mayo Clinic Laboratories, Mayo Clinic); PubMed 15108288 (cited by Mayo Clinic Laboratories, Mayo Clinic); PubMed 12702169 (cited by Mayo Clinic Laboratories, Mayo Clinic); PubMed 9494520 (cited by Mayo Clinic Laboratories, Mayo Clinic); PubMed 8941012 (cited by Mayo Clinic Laboratories, Mayo Clinic); PubMed 7524601 (cited by Mayo Clinic Laboratories, Mayo Clinic); PubMed 7833931 (cited by Mayo Clinic Laboratories, Mayo Clinic).